The following is an entry in ClinVar:

ClinVar aggregate classification (germline): Conflicting classifications of pathogenicity. Review status: criteria provided, conflicting classifications (1 of 4 stars). 2 submissions from 2 submitters: Uncertain significance (1); Likely benign (1). Last evaluated 2026-01-31.

Conditions:
Hereditary cancer-predisposing syndrome. Also called: Neoplastic Syndromes, Hereditary; Tumor predisposition; Hereditary Cancer Syndrome; Hereditary neoplastic syndrome. Identifiers: Orphanet 140162, MedGen C0027672, MeSH D009386, MONDO:0015356.
Gastrointestinal stromal tumor. Also called: Gastrointestinal stromal tumor, somatic; Gastrointestinal stroma tumor. Identifiers: Orphanet 44890, MedGen C0238198, MeSH D046152, MONDO:0011719, OMIM 606764, HP:0100723.

Allele frequency attached by ClinVar (database versions not stated): gnomAD exomes below 0.00001; gnomAD 0.00001.
gnomAD v4.1: 3 of 1,612,868 alleles (0.00019%); highest among the groups gnomAD compares: Admixed American, 0.0033%; no homozygotes.

Submissions (2):

Labcorp Genetics (formerly Invitae), Labcorp
Classification: Uncertain significance for Gastrointestinal stromal tumor. Last evaluated: 2026-01-31. Review status: criteria provided, single submitter. Criteria: Invitae Variant Classification Sherloc (09022015). Collection method: clinical testing. Allele origin: germline.
Comment: This sequence change replaces lysine, which is basic and polar, with arginine, which is basic and polar, at codon 738 of the KIT protein (p.Lys738Arg). This variant is not present in population databases (gnomAD no frequency). This variant has not been reported in the literature in individuals affected with KIT-related conditions. ClinVar contains an entry for this variant (Variation ID: 652258). An algorithm developed to predict the effect of missense changes on protein structure and function outputs the following: PolyPhen-2: "Benign". The arginine amino acid residue is found in multiple mammalian species, which suggests that this missense change does not adversely affect protein function. In summary, the available evidence is currently insufficient to determine the role of this variant in disease. Therefore, it has been classified as a Variant of Uncertain Significance.

Ambry Genetics
Classification: Likely benign for Hereditary cancer-predisposing syndrome. Last evaluated: 2024-12-12. Review status: criteria provided, single submitter. Criteria: Ambry Variant Classification Scheme 2023. Collection method: clinical testing. Allele origin: germline.

NM_000222.3(KIT):c.2213A>G (p.Lys738Arg)

Gene: KIT (KIT proto-oncogene, receptor tyrosine kinase; plus strand). Cytogenetic location: 4q12.
Variant type: single nucleotide variant.
Coding change: c.2213A>G on transcript NM_000222.3 (MANE Select); coding-DNA position 2213, A replaced by G.
Protein change: p.Lys738Arg; replaces lysine 738 with arginine.
Molecular consequence: missense variant.
Genome position (GRCh38, 1-based): chr4:54,731,399, A>G. VCF-style: chr4-54731399-A-G. GRCh37 (hg19) VCF-style: chr4-55597565-A-G.
Other names: c.2201A>G, p.Lys734Arg (NM_001093772.2, NM_001385292.1); c.2216A>G, p.Lys739Arg (NM_001385284.1); c.2210A>G, p.Lys737Arg (NM_001385285.1); c.2198A>G, p.Lys733Arg (NM_001385286.1); c.2204A>G, p.Lys735Arg (NM_001385288.1); c.2213A>G, p.Lys738Arg (NM_001385290.1); short protein forms K734R, K738R, K733R, K735R, K737R, K739R.
Identifiers: ClinVar variation 652258 (VCV000652258.10), dbSNP rs1578000525, ClinGen allele CA356910757.